The following is an entry in ClinVar:

NM_004204.5(PIGQ):c.626C>T (p.Ser209Leu)

Gene: PIGQ (phosphatidylinositol glycan anchor biosynthesis class Q; plus strand). Cytogenetic location: 16p13.3.
Variant type: single nucleotide variant.
Coding change: c.626C>T on transcript NM_004204.5 (MANE Select); coding-DNA position 626, C replaced by T.
Protein change: p.Ser209Leu; replaces serine 209 with leucine.
Molecular consequence: missense variant.
Genome position (GRCh38, 1-based): chr16:574,700, C>T. VCF-style: chr16-574700-C-T. GRCh37 (hg19) VCF-style: chr16-624700-C-T.
Other names: c.626C>T, p.Ser209Leu (NM_148920.4); c.626C>T (NM_148920.1); short protein forms S209L.
Identifiers: ClinVar variation 1409492 (VCV001409492.5), dbSNP rs764793325, ClinGen allele CA7779926.

ClinVar aggregate classification (germline): Uncertain significance. Review status: criteria provided, multiple submitters, no conflicts (2 of 4 stars). 2 submissions from 2 submitters: Uncertain significance (2). Last evaluated 2023-12-11.

Conditions:
Epilepsy. Also called: Seizure disorder. Identifiers: MedGen C0014544, MeSH D004827, MONDO:0005027.
Inborn genetic diseases. Identifiers: MedGen C0950123, MeSH D030342.

Allele frequency attached by ClinVar (database versions not stated): gnomAD 0.00001; gnomAD exomes 0.00002; TOPMed 0.00003; ExAC 0.00005.
gnomAD v4.1: 31 of 1,599,122 alleles (0.0019%); highest among the groups gnomAD compares: East Asian, 0.016%; no homozygotes.

Submissions (2):

Labcorp Genetics (formerly Invitae), Labcorp
Classification: Uncertain significance for Epilepsy. Last evaluated: 2023-12-11. Review status: criteria provided, single submitter. Criteria: Invitae Variant Classification Sherloc (09022015). Collection method: clinical testing. Allele origin: germline.
Comment: This sequence change replaces serine, which is neutral and polar, with leucine, which is neutral and non-polar, at codon 209 of the PIGQ protein (p.Ser209Leu). The frequency data for this variant in the population databases is considered unreliable, as metrics indicate poor data quality at this position in the gnomAD database. This variant has not been reported in the literature in individuals affected with PIGQ-related conditions. ClinVar contains an entry for this variant (Variation ID: 1409492). An algorithm developed to predict the effect of missense changes on protein structure and function (PolyPhen-2) suggests that this variant is likely to be disruptive. In summary, the available evidence is currently insufficient to determine the role of this variant in disease. Therefore, it has been classified as a Variant of Uncertain Significance.

Ambry Genetics
Classification: Uncertain significance for Inborn genetic diseases. Last evaluated: 2021-06-15. Review status: criteria provided, single submitter. Criteria: Ambry Variant Classification Scheme 2023. Collection method: clinical testing. Allele origin: germline.